The following is an entry in ClinVar:

ClinVar aggregate classification (germline): Pathogenic/Likely pathogenic. Review status: criteria provided, multiple submitters, no conflicts (2 of 4 stars). 5 submissions from 5 submitters: Pathogenic (4); Likely pathogenic (1). Last evaluated 2024-06-19.

Conditions:
ATM-related disorder. Also called: ATM-related disorders; ATM-related condition.
Hereditary cancer-predisposing syndrome. Also called: Hereditary Cancer Syndrome; Neoplastic Syndromes, Hereditary; Tumor predisposition; Hereditary neoplastic syndrome. Identifiers: Orphanet 140162, MedGen C0027672, MeSH D009386, MONDO:0015356.
Familial cancer of breast. Also called: BREAST CANCER, FAMILIAL; Hereditary breast cancer; hereditary breast carcinoma. Identifiers: Orphanet 227535, MedGen C0346153, MONDO:0016419, OMIM 114480. Disease mechanism: loss of function.
Ataxia-telangiectasia syndrome (AT). Also called: Cerebello-oculocutaneous telangiectasia; Immunodeficiency with ataxia telangiectasia; Ataxia-telangiectasia, complementation group E; Ataxia-telangiectasia, complementation group D; AT, COMPLEMENTATION GROUP C; ATAXIA-TELANGIECTASIA, COMPLEMENTATION GROUP A. Identifiers: Orphanet 100, MedGen C0004135, MONDO:0008840, OMIM 208900.

Submissions (5):

Labcorp Genetics (formerly Invitae), Labcorp
Classification: Pathogenic for Ataxia-telangiectasia syndrome. Last evaluated: 2024-06-19. Review status: criteria provided, single submitter. Criteria: Invitae Variant Classification Sherloc (09022015). Collection method: clinical testing. Allele origin: germline.
Comment: This sequence change creates a premature translational stop signal (p.Glu2272Glnfs*8) in the ATM gene. It is expected to result in an absent or disrupted protein product. Loss-of-function variants in ATM are known to be pathogenic (PMID: 23807571, 25614872). Information on the frequency of this variant in the gnomAD database is not available, as this variant may be reported differently in the database. This variant has not been reported in the literature in individuals affected with ATM-related conditions. For these reasons, this variant has been classified as Pathogenic.

Myriad Genetics, Inc.
Classification: Pathogenic for Familial cancer of breast. Last evaluated: 2024-01-30. Review status: criteria provided, single submitter. Criteria: Myriad Autosomal Dominant, Autosomal Recessive and X-Linked Classification Criteria (2023). Collection method: clinical testing. Allele origin: unknown.
Comment: This variant is considered pathogenic. This variant creates a frameshift predicted to result in premature protein truncation.

Ambry Genetics
Classification: Pathogenic for Hereditary cancer-predisposing syndrome. Last evaluated: 2023-07-28. Review status: criteria provided, single submitter. Criteria: Ambry Variant Classification Scheme 2023. Collection method: clinical testing. Allele origin: germline.
Comment: The c.6814delGinsCA pathogenic mutation, located in coding exon 46 of the ATM gene, results from the deletion of one nucleotide and insertion of two nucleotides causing a translational frameshift with a predicted alternate stop codon (p.E2272Qfs*8). This variant is considered to be rare based on population cohorts in the Genome Aggregation Database (gnomAD). This alteration is expected to result in loss of function by premature protein truncation or nonsense-mediated mRNA decay. As such, this alteration is interpreted as a disease-causing mutation.

PreventionGenetics, part of Exact Sciences
Classification: Pathogenic for ATM-related condition. Last evaluated: 2022-11-21. Review status: criteria provided, single submitter. Criteria: ACMG Guidelines, 2015. Collection method: clinical testing. Allele origin: germline.
Comment: The ATM c.6814delinsCA variant is predicted to result in a frameshift and premature protein termination (p.Glu2272Glnfs*8). To our knowledge, this variant has not been reported in the literature or in a large population database, indicating this variant is rare. Frameshift variants in ATM are expected to be pathogenic. It is interpreted as pathogenic in ClinVar. This variant is interpreted as pathogenic.

Baylor Genetics
Classification: Likely pathogenic for Familial cancer of breast. Last evaluated: 2021-10-20. Review status: criteria provided, single submitter. Criteria: ACMG Guidelines, 2015. Collection method: clinical testing. Allele origin: unknown.

Literature cited by the submitters: PubMed 23807571 (cited by Labcorp Genetics (formerly Invitae), Labcorp); PubMed 25614872 (cited by Labcorp Genetics (formerly Invitae), Labcorp).

NM_000051.4(ATM):c.6814delinsCA (p.Glu2272fs)

Genes: ATM (ATM serine/threonine kinase; plus strand), C11orf65 (chromosome 11 open reading frame 65; minus strand). Cytogenetic location: 11q22.3.
Variant type: Indel.
Coding change: c.6814delinsCA on transcript NM_000051.4 (MANE Select); coding-DNA position 6814, G replaced by CA.
Protein change: p.Glu2272fs; shifts the reading frame from glutamic acid 2272.
Molecular consequence: frameshift variant. On other transcripts: intron variant (2).
Genome position (GRCh38, 1-based): chr11:108,326,064, G replaced by CA. VCF-style: chr11-108326064-G-CA. GRCh37 (hg19) VCF-style: chr11-108196791-G-CA.
Other names: c.6814delinsCA, p.Glu2272fs (NM_001351834.2); c.641-16993delinsTG (NM_001330368.2); c.*38+9156delinsTG (NM_001351110.2); short protein forms E2272fs.
Identifiers: ClinVar variation 579169 (VCV000579169.11), dbSNP rs1565520117, ClinGen allele CA891842654.